The following is an entry in ClinVar:

ClinVar aggregate classification (germline): Conflicting classifications of pathogenicity. Review status: criteria provided, conflicting classifications (1 of 4 stars). 3 submissions from 3 submitters: Uncertain significance (1); Likely benign (1). 1 of the submissions does not count toward it. Last evaluated 2025-06-04.

Conditions:
PRKAG2-related disorder. Also called: PRKAG2-related disorders; PRKAG2-related condition.
Cardiomyopathy (CMYO). Also called: Cardiomyopathies. Identifiers: Orphanet 167848, MedGen C0878544, MONDO:0004994, HP:0001638. Inheritance: Various modes of inheritance.
Lethal congenital glycogen storage disease of heart. Also called: PHOSPHORYLASE KINASE DEFICIENCY OF HEART; GLYCOGEN STORAGE DISEASE OF HEART. Identifiers: Orphanet 439854, MedGen C1849813, MONDO:0009867, OMIM 261740.

Allele frequency attached by ClinVar (database versions not stated): gnomAD exomes below 0.00001 and 0.00001; gnomAD 0.00001.
gnomAD v4.1: 6 of 1,613,852 alleles (0.00037%); highest among the groups gnomAD compares: South Asian, 0.0022%; no homozygotes.

Submissions (3):

Labcorp Genetics (formerly Invitae), Labcorp
Classification: Likely benign for Lethal congenital glycogen storage disease of heart. Last evaluated: 2025-06-04. Review status: criteria provided, single submitter. Criteria: Invitae Variant Classification Sherloc (09022015). Collection method: clinical testing. Allele origin: germline.

CHEO Genetics Diagnostic Laboratory, Children's Hospital of Eastern Ontario
Classification: Uncertain significance for Cardiomyopathy. Last evaluated: 2019-09-17. Review status: criteria provided, single submitter. Criteria: ACMG Guidelines, 2015. Collection method: clinical testing. Allele origin: germline.

PreventionGenetics, part of Exact Sciences
Classification: Uncertain significance for PRKAG2-related condition. Last evaluated: 2024-08-31. Review status: no assertion criteria provided. Collection method: clinical testing. Allele origin: germline. Not counted in ClinVar's aggregate classification.
Comment: The PRKAG2 c.820G>A variant is predicted to result in the amino acid substitution p.Val274Ile. To our knowledge, this variant has not been reported in the literature. This variant is reported in 0.0065% of alleles in individuals of South Asian descent in gnomAD. At this time, the clinical significance of this variant is uncertain due to the absence of conclusive functional and genetic evidence.

NM_016203.4(PRKAG2):c.820G>A (p.Val274Ile)

Gene: PRKAG2 (protein kinase AMP-activated non-catalytic subunit gamma 2; minus strand). Cytogenetic location: 7q36.1.
Variant type: single nucleotide variant.
Coding change: c.820G>A on transcript NM_016203.4 (MANE Select); coding-DNA position 820, G replaced by A.
Protein change: p.Val274Ile; replaces valine 274 with isoleucine.
Molecular consequence: missense variant.
Genome position (GRCh38, 1-based): chr7:151,595,389, C>T on the plus strand (G>A on the coding strand, the complement: PRKAG2 is on the minus strand). VCF-style: chr7-151595389-C-T. GRCh37 (hg19) VCF-style: chr7-151292475-C-T.
Other names: c.688G>A, p.Val230Ile (NM_001040633.2); c.445G>A, p.Val149Ile (NM_001304527.2); c.97G>A, p.Val33Ile (NM_001304531.2, NM_024429.2); c.448G>A, p.Val150Ile (NM_001363698.2); short protein forms V149I, V150I, V230I, V274I, V33I.
Identifiers: ClinVar variation 1329302 (VCV001329302.8), dbSNP rs917493455, ClinGen allele CA169162693.
Genomic context (GRCh38, chr7:151,595,389, plus strand): 5'-AATGGAGTACACTTACTTGTAATGTAGTATCAAAGACAACAAGCTTTGAACTGGTTGGAA[C>T]GATGTCATAACACTTGTGTGACCTCATGAATCGCATGTAAACACCACTTTCTGAGTCTTC-3'
Protein context (NP_057287.2, residues 264-284): FMRSHKCYDI[Val274Ile]PTSSKLVVFD